The following is an entry in ClinVar:

ClinVar aggregate classification (germline): Pathogenic (1 of 4 stars; one submission).

Conditions:
Hereditary cancer-predisposing syndrome. Also called: Neoplastic Syndromes, Hereditary; Tumor predisposition; Hereditary Cancer Syndrome; Hereditary neoplastic syndrome. Identifiers: Orphanet 140162, MedGen C0027672, MeSH D009386, MONDO:0015356.

Submission:

Ambry Genetics
Classification: Pathogenic for Hereditary cancer-predisposing syndrome. Last evaluated: 2020-05-04. Review status: criteria provided, single submitter. Criteria: Ambry Variant Classification Scheme 2023. Collection method: clinical testing. Allele origin: germline.
Comment: The c.3625_3626delCT pathogenic mutation, located in coding exon 7 of the MSH6 gene, results from a deletion of two nucleotides at nucleotide positions 3625 to 3626, causing a translational frameshift with a predicted alternate stop codon (p.L1209Gfs*5). This alteration is expected to result in loss of function by premature protein truncation or nonsense-mediated mRNA decay. As such, this alteration is interpreted as a disease-causing mutation.

NM_000179.3(MSH6):c.3625_3626del (p.Leu1209fs)

Gene: MSH6 (mutS homolog 6; plus strand). Cytogenetic location: 2p16.3.
Variant type: Microsatellite.
Coding change: c.3625_3626del on transcript NM_000179.3 (MANE Select); coding-DNA positions 3625 to 3626, 2 bases deleted (CT; older notation c.3625_3626delCT).
Protein change: p.Leu1209fs; shifts the reading frame from leucine 1209.
Molecular consequence: frameshift variant.
Genome position (GRCh38, 1-based): chr2:47,805,686-47,805,687, CT deleted; deleting any 2 consecutive bases within chr2:47,805,683-47,805,687 gives the same sequence; the c. name uses the placement nearest the transcript's 3' end. VCF-style (leftmost placement, unchanged base first): chr2-47805682-TTC-T. GRCh37 (hg19) VCF-style: chr2-48032821-TTC-T.
Other names: c.3623_3624CT[1], p.Leu1209Glyfs (NM_000179.2, NM_001406796.1, NM_001406800.1 and 2 more transcripts); c.3235_3236del, p.Leu1079fs (NM_001281492.2); c.2719_2720del, p.Leu907fs (NM_001281493.2, NM_001281494.2); c.3719_3720CT[1], p.Leu1241Glyfs (NM_001406795.1, NM_001406802.1); c.3326_3327CT[1], p.Leu1110Glyfs (NM_001406797.1, NM_001406801.1, NM_001406805.1 and 10 more transcripts); c.3449_3450CT[1], p.Leu1151Glyfs (NM_001406798.1); c.3098_3099CT[1], p.Leu1034Glyfs (NM_001406799.1, NM_001406806.1, NM_001406807.1); c.2759_2760CT[1], p.Leu921Glyfs (NM_001406803.1); and 9 more; short protein forms L1079fs, L1209fs, L907fs.
Identifiers: ClinVar variation 1733361 (VCV001733361.2), dbSNP rs2530824833, ClinGen allele CA2580611298.